The following is an entry in ClinVar:

NM_001031689.3(PLAA):c.2088G>T (p.Lys696Asn)

Gene: PLAA (phospholipase A2 activating protein; minus strand). Cytogenetic location: 9p21.2.
Variant type: single nucleotide variant.
Coding change: c.2088G>T on transcript NM_001031689.3 (MANE Select); coding-DNA position 2088, G replaced by T.
Protein change: p.Lys696Asn; replaces lysine 696 with asparagine.
Molecular consequence: missense variant.
Genome position (GRCh38, 1-based): chr9:26,905,811, C>A on the plus strand (G>T on the coding strand, the complement: PLAA is on the minus strand). VCF-style: chr9-26905811-C-A. GRCh37 (hg19) VCF-style: chr9-26905809-C-A.
Other names: c.2019G>T, p.Lys673Asn (NM_001321546.2); short protein forms K673N, K696N.
Identifiers: ClinVar variation 2072070 (VCV002072070.4), dbSNP rs1049445907, ClinGen allele CA373126422.

ClinVar aggregate classification (germline): Uncertain significance (1 of 4 stars; one submission).

Submission:

Labcorp Genetics (formerly Invitae), Labcorp
Classification: Uncertain significance. Last evaluated: 2022-07-29. Review status: criteria provided, single submitter. Criteria: Invitae Variant Classification Sherloc (09022015). Collection method: clinical testing. Allele origin: germline.
Comment: In summary, the available evidence is currently insufficient to determine the role of this variant in disease. Therefore, it has been classified as a Variant of Uncertain Significance. Algorithms developed to predict the effect of missense changes on protein structure and function are either unavailable or do not agree on the potential impact of this missense change (SIFT: "Tolerated"; PolyPhen-2: "Probably Damaging"; Align-GVGD: "Class C0"). This variant has not been reported in the literature in individuals affected with PLAA-related conditions. This variant is present in population databases (no rsID available, gnomAD 0.003%). This sequence change replaces lysine, which is basic and polar, with asparagine, which is neutral and polar, at codon 696 of the PLAA protein (p.Lys696Asn).